The following is an entry in ClinVar:

NM_001198800.3(ASCC1):c.382C>T (p.Arg128Ter)

Gene: ASCC1 (activating signal cointegrator 1 complex subunit 1; minus strand). Cytogenetic location: 10q22.1.
Variant type: single nucleotide variant.
Coding change: c.382C>T on transcript NM_001198800.3 (MANE Select); coding-DNA position 382, C replaced by T.
Protein change: p.Arg128Ter; replaces arginine 128 with a stop codon.
Molecular consequence: nonsense. On other transcripts: non-coding transcript variant (1).
Genome position (GRCh38, 1-based): chr10:72,196,918, G>A on the plus strand (C>T on the coding strand, the complement: ASCC1 is on the minus strand). VCF-style: chr10-72196918-G-A. GRCh37 (hg19) VCF-style: chr10-73956676-G-A.
Other names: c.382C>T, p.Arg128Ter (NM_001198798.2, NM_001369087.1, NM_001369088.1 and 18 more transcripts); c.466C>T, p.Arg156Ter (NM_001198799.3); c.448C>T, p.Arg150Ter (NM_001369085.1, NM_001369086.1, NM_001369099.1); c.265C>T, p.Arg89Ter (NM_001369101.1, NM_001369102.1, NM_001369105.1 and 2 more transcripts); short protein forms R156*, R128*, R150*, R89*.
Identifiers: ClinVar variation 801334 (VCV000801334.10), dbSNP rs183415577, ClinGen allele CA5549030.
Genomic context (GRCh38, chr10:72,196,918, plus strand): 5'-CCTGAACCTCAACTTCATTGAGGAAAAAGGCAAGGAAGTGAGTGAAGGGCTGCTTTCTTC[G>A]AAAAGTGTCCAAAAGAACATCAATCCGTGTTCGGGCTGAAATTACACCATTTCGATGCTG-3'

ClinVar aggregate classification (germline): Pathogenic. Review status: criteria provided, multiple submitters, no conflicts (2 of 4 stars). 5 submissions from 5 submitters: Pathogenic (4). 1 of the submissions does not count toward it. Last evaluated 2026-01-17.

Conditions:
Spinal muscular atrophy with congenital bone fractures 2 (SMABF2). Identifiers: MedGen C4225176, MONDO:0014807, OMIM 616867.

Allele frequency attached by ClinVar (database versions not stated): gnomAD exomes 0.00003 and 0.00004; TOPMed 0.00003; ExAC 0.00005; gnomAD 0.00006; 1000 Genomes Project 0.00040; 1000 Genomes Project 30x 0.00047.
gnomAD v4.1: 57 of 1,613,546 alleles (0.0035%); highest among the groups gnomAD compares: African/African-American, 0.008%; no homozygotes.

Submissions (5):

Labcorp Genetics (formerly Invitae), Labcorp
Classification: Pathogenic. Last evaluated: 2026-01-17. Review status: criteria provided, single submitter. Criteria: Invitae Variant Classification Sherloc (09022015). Collection method: clinical testing. Allele origin: germline.
Comment: This sequence change creates a premature translational stop signal (p.Arg128*) in the ASCC1 gene. It is expected to result in an absent or disrupted protein product. Loss-of-function variants in ASCC1 are known to be pathogenic (PMID: 30327447). This variant is present in population databases (rs183415577, gnomAD 0.008%). This premature translational stop signal has been observed in individual(s) with spinal muscular atrophy (PMID: 33931933). This variant is also known as c.466C>T; p.Arg156*. ClinVar contains an entry for this variant (Variation ID: 801334). For these reasons, this variant has been classified as Pathogenic.

Laboratory of Genetics, Children's Clinical University Hospital Latvia
Classification: Pathogenic. Last evaluated: 2025-02-16. Review status: criteria provided, single submitter. Criteria: ACMG Guidelines, 2015. Collection method: clinical testing. Allele origin: germline. Affected: yes.

Muscle and Diseases Team, Institut de Génétique et Biologie Moléculaire et Cellulaire
Classification: Pathogenic for Spinal muscular atrophy with congenital bone fractures 2. Last evaluated: 2024-03-01. Review status: criteria provided, single submitter. Criteria: ACMG Guidelines, 2015. Collection method: research. Allele origin: maternal. Affected: yes. Observed: 1 variant allele.
Comment: PVS1+PM2+PM3

Illumina Laboratory Services, Illumina
Classification: Pathogenic for Spinal muscular atrophy with congenital bone fractures 2. Last evaluated: 2021-01-12. Review status: criteria provided, single submitter. Criteria: ICSLVariantClassificationCriteria RUGD 01 April 2020. Collection method: clinical testing. Allele origin: unknown.
Comment: The ASCC1 c.466C>T p.(Arg156Ter) nonsense variant is expected to result in the loss of normal protein function through either protein truncation or nonsense-mediated mRNA decay. This variant has been identified in individuals with a phenotype consistent with spinal muscular atrophy with congenital bone fractures (Bohm et al. 2019; Rosano et al. 2021). The highest frequency of this allele in the Genome Aggregation Database is 0.0001204 in the African/African American population (version 2.1.1). Based on the collective evidence the c.466C>T p.(Arg156Ter) variant is classified as pathogenic for spinal muscular atrophy with congenital bone fractures

OMIM
Classification: Pathogenic for SPINAL MUSCULAR ATROPHY WITH CONGENITAL BONE FRACTURES 2. Last evaluated: 2020-01-03. Review status: no assertion criteria provided. Collection method: literature only. Allele origin: germline. Not counted in ClinVar's aggregate classification.

Literature cited by the submitters: PubMed 30327447 (cited by 3 submitters); PubMed 33931933 (cited by Labcorp Genetics (formerly Invitae), Labcorp); DOI 10.1186/s13073-024-01353-0 (cited by Muscle and Diseases Team, Institut de Génétique et Biologie Moléculaire et Cellulaire).